The following is an entry in ClinVar:

ClinVar aggregate classification (germline): Uncertain significance. Review status: criteria provided, multiple submitters, no conflicts (2 of 4 stars). 2 submissions from 2 submitters: Uncertain significance (2). Last evaluated 2023-10-25.

Conditions:
Inborn genetic diseases. Identifiers: MedGen C0950123, MeSH D030342.

Allele frequency attached by ClinVar (database versions not stated): gnomAD exomes below 0.00001; TOPMed below 0.00001; gnomAD 0.00001; ExAC 0.00002; 1000 Genomes Project 30x 0.00016; 1000 Genomes Project 0.00020.
gnomAD v4.1: 6 of 1,614,194 alleles (0.00037%); highest among the groups gnomAD compares: African/African-American, 0.0013%; no homozygotes.

Submissions (2):

Labcorp Genetics (formerly Invitae), Labcorp
Classification: Uncertain significance. Last evaluated: 2023-10-25. Review status: criteria provided, single submitter. Criteria: Invitae Variant Classification Sherloc (09022015). Collection method: clinical testing. Allele origin: germline.
Comment: This sequence change replaces arginine, which is basic and polar, with histidine, which is basic and polar, at codon 2722 of the SRCAP protein (p.Arg2722His). This variant is present in population databases (rs563906113, gnomAD 0.007%). This variant has not been reported in the literature in individuals affected with SRCAP-related conditions. ClinVar contains an entry for this variant (Variation ID: 2278992). Advanced modeling of protein sequence and biophysical properties (such as structural, functional, and spatial information, amino acid conservation, physicochemical variation, residue mobility, and thermodynamic stability) performed at Invitae indicates that this missense variant is not expected to disrupt SRCAP protein function with a negative predictive value of 80%. In summary, the available evidence is currently insufficient to determine the role of this variant in disease. Therefore, it has been classified as a Variant of Uncertain Significance.

Ambry Genetics
Classification: Uncertain significance for Inborn genetic diseases. Last evaluated: 2022-03-16. Review status: criteria provided, single submitter. Criteria: Ambry Variant Classification Scheme 2023. Collection method: clinical testing. Allele origin: germline.

NM_006662.3(SRCAP):c.8165G>A (p.Arg2722His)

Gene: SRCAP (Snf2 related CREBBP activator protein; plus strand). Cytogenetic location: 16p11.2.
Variant type: single nucleotide variant.
Coding change: c.8165G>A on transcript NM_006662.3 (MANE Select); coding-DNA position 8165, G replaced by A.
Protein change: p.Arg2722His; replaces arginine 2722 with histidine.
Molecular consequence: missense variant.
Genome position (GRCh38, 1-based): chr16:30,738,205, G>A. VCF-style: chr16-30738205-G-A. GRCh37 (hg19) VCF-style: chr16-30749526-G-A.
Other names: short protein forms R2722H.
Identifiers: ClinVar variation 2278992 (VCV002278992.5), dbSNP rs563906113, ClinGen allele CA8012634.